The following is an entry in ClinVar:

NM_001370259.2(MEN1):c.1764G>A (p.Lys588=)

Gene: MEN1 (menin 1; minus strand). Cytogenetic location: 11q13.1.
Variant type: single nucleotide variant.
Coding change: c.1764G>A on transcript NM_001370259.2 (MANE Select); coding-DNA position 1764, G replaced by A.
Protein change: p.Lys588=; no amino-acid change (lysine 588 retained).
Molecular consequence: synonymous variant.
Genome position (GRCh38, 1-based): chr11:64,804,403, C>T on the plus strand (G>A on the coding strand, the complement: MEN1 is on the minus strand). VCF-style: chr11-64804403-C-T. GRCh37 (hg19) VCF-style: chr11-64571875-C-T.
Other names: c.1779G>A, p.Lys593= (NM_130800.3, NM_130801.3, NM_130802.3 and 3 more transcripts); c.1890G>A, p.Lys630= (NM_001370251.2); c.1764G>A, p.Lys588= (NM_001370260.2, NM_001370261.2, NM_130799.3); c.1659G>A, p.Lys553= (NM_001370262.2, NM_001370263.2); c.1779G>A (NM_000244.3).
Identifiers: ClinVar variation 215962 (VCV000215962.23), dbSNP rs373669288, ClinGen allele CA060947.

ClinVar aggregate classification (germline): Benign/Likely benign. Review status: criteria provided, multiple submitters, no conflicts (2 of 4 stars). 6 submissions from 6 submitters: Benign (1); Likely benign (4). 1 of the submissions does not count toward it. Last evaluated 2026-01-31.

Conditions:
MEN1-related disorder. Also called: MEN1-related condition.
Hereditary cancer-predisposing syndrome. Also called: Tumor predisposition; Hereditary Cancer Syndrome; Neoplastic Syndromes, Hereditary; Hereditary neoplastic syndrome. Identifiers: Orphanet 140162, MedGen C0027672, MeSH D009386, MONDO:0015356.
Multiple endocrine neoplasia, type 1 (MEN1). Also called: Endocrine adenomatosis multiple; MEN 1; MEN I; WERMER SYNDROME; MEA I. Identifiers: Orphanet 652, MedGen C0025267, MeSH D018761, MONDO:0007540, OMIM 131100.

Allele frequency attached by ClinVar (database versions not stated): ExAC 0.00003; gnomAD exomes 0.00003; TOPMed 0.00003; gnomAD 0.00006; ESP Exome Variant Server 0.00008.
gnomAD v4.1: 50 of 1,614,068 alleles (0.0031%); highest among the groups gnomAD compares: Non-Finnish European, 0.0041%; no homozygotes.

Submissions (6):

Labcorp Genetics (formerly Invitae), Labcorp
Classification: Likely benign for Multiple endocrine neoplasia, type 1. Last evaluated: 2026-01-31. Review status: criteria provided, single submitter. Criteria: Invitae Variant Classification Sherloc (09022015). Collection method: clinical testing. Allele origin: germline.

Quest Diagnostics Nichols Institute San Juan Capistrano
Classification: Likely benign. Last evaluated: 2025-07-25. Review status: criteria provided, single submitter. Criteria: Quest Diagnostics criteria. Collection method: clinical testing. Allele origin: unknown.

Myriad Genetics, Inc.
Classification: Benign for Multiple endocrine neoplasia, type 1. Last evaluated: 2024-11-05. Review status: criteria provided, single submitter. Criteria: Myriad Autosomal Dominant, Autosomal Recessive and X-Linked Classification Criteria (2023). Collection method: clinical testing. Allele origin: unknown.
Comment: This variant is considered benign. This variant is a silent/synonymous amino acid change and it is not expected to impact splicing.

Color Diagnostics, LLC DBA Color Health
Classification: Likely benign for Multiple endocrine neoplasia, type 1. Last evaluated: 2022-01-10. Review status: criteria provided, single submitter. Criteria: ACMG Guidelines, 2015. Collection method: clinical testing. Allele origin: germline.

Ambry Genetics
Classification: Likely benign for Hereditary cancer-predisposing syndrome. Last evaluated: 2016-07-01. Review status: criteria provided, single submitter. Criteria: Ambry Variant Classification Scheme 2023. Collection method: clinical testing. Allele origin: germline.

PreventionGenetics, part of Exact Sciences
Classification: Likely benign for MEN1-related condition. Last evaluated: 2020-07-13. Review status: no assertion criteria provided. Collection method: clinical testing. Allele origin: germline. Not counted in ClinVar's aggregate classification.
Comment: This variant is classified as likely benign based on ACMG/AMP sequence variant interpretation guidelines (Richards et al. 2015 PMID: 25741868, with internal and published modifications).